The following is an entry in ClinVar:

ClinVar aggregate classification (germline): Pathogenic. Review status: criteria provided, multiple submitters, no conflicts (2 of 4 stars). 7 submissions from 7 submitters: Pathogenic (7). Last evaluated 2025-12-29.

Conditions:
Recessive dystrophic epidermolysis bullosa (RDEB). Also called: DYSTROPHIC EPIDERMOLYSIS BULLOSA, AUTOSOMAL RECESSIVE; EPIDERMOLYSIS BULLOSA DYSTROPHICA, HALLOPEAU-SIEMENS TYPE; Recessive DEB (RDEB); EPIDERMOLYSIS BULLOSA DYSTROPHICA, GENERALIZED SEVERE, AUTOSOMAL RECESSIVE; Epidermolysis Bullosa Distrophica Autosomal Recessive (RDEB); epidermolysis bullosa dystrophica, autosomal recessive. Identifiers: Orphanet 79408, Orphanet 79409, MedGen C0079474, MONDO:0009179, OMIM 226600.
Epidermolysis bullosa dystrophica. Also called: Dystrophic epidermolysis bullosa, Hallopeau-Siemens type (formerly); Dystrophic epidermolysis bullosa. Identifiers: Orphanet 303, MedGen C0079294, MONDO:0006543.

Allele frequency attached by ClinVar (database versions not stated): TOPMed 0.00001.
gnomAD v4.1: 4 of 1,613,586 alleles (0.00025%); highest among the groups gnomAD compares: Non-Finnish European, 0.00034%; no homozygotes.

Submissions (7):

Natera, Inc.
Classification: Pathogenic for Dystrophic epidermolysis bullosa. Last evaluated: 2025-12-29. Review status: criteria provided, single submitter. Criteria: Natera Variant Classification Schema (03/2026). Collection method: clinical testing. Allele origin: germline.
Comment: The c.5932C>T variant in COL7A1 is a nonsense variant predicted to introduce a stop codon at amino acid 1978. This variant is expected to result in nonsense mediated decay, truncation, or a dysfunctional protein product. This variant is rare in the general population with a frequency below the threshold expected for the associated phenotype(s). This variant has been observed in one or more individuals affected with the associated recessive disease, as either homozygous or compound heterozygous with a second variant (PMID: 20060269, 36340603, 29753707). Additionally, this variant has been observed to segregate in affected family members (PMID: 36340603). Given the available evidence, this variant is classified as Pathogenic.

Myriad Genetics, Inc.
Classification: Pathogenic for Recessive dystrophic epidermolysis bullosa. Last evaluated: 2025-11-13. Review status: criteria provided, single submitter. Criteria: Myriad Autosomal Dominant, Autosomal Recessive and X-Linked Classification Criteria (2023). Collection method: clinical testing. Allele origin: unknown.
Comment: NM_000094.3(COL7A1):c.5932C>T(R1978*) is expected to be pathogenic in the context of dystrophic epidermolysis bullosa. This variant is predicted to lead to an abnormal or absent protein product due to the creation of a premature termination codon in COL7A1, a gene where loss-of-function variants are known to be pathogenic. Please note: this variant was assessed in the context of healthy population screening.

Labcorp Genetics (formerly Invitae), Labcorp
Classification: Pathogenic. Last evaluated: 2025-09-19. Review status: criteria provided, single submitter. Criteria: Invitae Variant Classification Sherloc (09022015). Collection method: clinical testing. Allele origin: germline.
Comment: This sequence change creates a premature translational stop signal (p.Arg1978*) in the COL7A1 gene. It is expected to result in an absent or disrupted protein product. Loss-of-function variants in COL7A1 are known to be pathogenic (PMID: 16971478). This variant is present in population databases (no rsID available, gnomAD 0.007%). This premature translational stop signal has been observed in individual(s) with COL7A1-related conditions (PMID: 10504458). ClinVar contains an entry for this variant (Variation ID: 449469). For these reasons, this variant has been classified as Pathogenic.

3billion
Classification: Pathogenic for Recessive dystrophic epidermolysis bullosa. Last evaluated: 2025-05-29. Review status: criteria provided, single submitter. Criteria: ACMG Guidelines, 2015. Collection method: clinical testing. Allele origin: germline. Affected: yes.
Comment: The variant is observed at an extremely low frequency in the gnomAD v4.1.0 dataset (total allele frequency: <0.001%). Predicted Consequence/Location: Stop-gained (nonsense): predicted to result in a loss or disruption of normal protein function through nonsense-mediated decay (NMD) or protein truncation. Multiple pathogenic variants are reported downstream of the variant. The variant has been reported at least twice as pathogenic with clinical assertions and evidence for the classification (ClinVar ID: VCV000449469 /PMID: 10504458). Therefore, this variant is classified as Pathogenic according to the recommendation of ACMG/AMP guideline.

GeneDx
Classification: Pathogenic. Last evaluated: 2017-10-30. Review status: criteria provided, single submitter. Criteria: GeneDx Variant Classification (06012015). Collection method: clinical testing. Allele origin: germline. Affected: yes.
Comment: The R1978X pathogenic variant in the COL7A1 gene has been reported previously in multiple individuals with dystrophic epidermolysis bullosa (Gardella et al., 2000; Sawamura et al., 2005; Natsuga et al., 2010; Rodriguez et al., 2012). This variant is predicted to cause loss of normal protein function either through protein truncation or nonsense-mediated mRNA decay. The R1978X variant is observed in 1/14,974 (0.007%) alleles from individuals of non-Finnish European background in large population cohorts (Lek et al., 2016). We interpret R1978X as a pathogenic variant.

Biomedical Innovation Departament, CIEMAT
Classification: Pathogenic for Dystrophic epidermolysis bullosa. Last evaluated: 2017-05-11. Review status: criteria provided, single submitter. Criteria: ACMG Guidelines, 2015. Collection method: research. Allele origin: germline. Affected: yes. Observed: 1 variant allele.

Kasturba Medical College, Manipal, Kasturba Medical College, Manipal, Manipal Academy of Higher Education, Manipal, India
Classification: Pathogenic for Recessive dystrophic epidermolysis bullosa. Review status: criteria provided, single submitter. Criteria: ACMG Guidelines, 2015. Collection method: research. Allele origin: biparental. Inheritance: Autosomal recessive inheritance. Affected: yes. Observed: 1 homozygote.
Comment: This variant is absent in homozygous state and is present in heterozygous state in four individuals in gnomAD (v4.1.0) population database. The variant is not present in homozygous or heterozygous state in our in-house exome database of 3356 individuals. This variant is likely to result in premature truncation of transcript which can lead to either nonsense-mediated mRNA decay or formation of a truncated COL7A1 protein product.

Literature cited by the submitters: PubMed 20060269 (cited by Natera, Inc.); PubMed 36340603 (cited by Natera, Inc.); PubMed 29753707 (cited by Natera, Inc.); PubMed 16971478 (cited by Labcorp Genetics (formerly Invitae), Labcorp); PubMed 10504458 (cited by 3 submitters); PubMed 22209565 (cited by Kasturba Medical College, Manipal, Kasturba Medical College, Manipal, Manipal Academy of Higher Education, Manipal, India); PubMed 10980546 (cited by Kasturba Medical College, Manipal, Kasturba Medical College, Manipal, Manipal Academy of Higher Education, Manipal, India).

NM_000094.4(COL7A1):c.5932C>T (p.Arg1978Ter)

Gene: COL7A1 (collagen type VII alpha 1 chain; minus strand). Cytogenetic location: 3p21.31.
Variant type: single nucleotide variant.
Coding change: c.5932C>T on transcript NM_000094.4 (MANE Select); coding-DNA position 5932, C replaced by T.
Protein change: p.Arg1978Ter; replaces arginine 1978 with a stop codon.
Molecular consequence: nonsense.
Genome position (GRCh38, 1-based): chr3:48,575,673, G>A on the plus strand (C>T on the coding strand, the complement: COL7A1 is on the minus strand). VCF-style: chr3-48575673-G-A. GRCh37 (hg19) VCF-style: chr3-48613106-G-A.
Other names: short protein forms R1978*.
Identifiers: ClinVar variation 449469 (VCV000449469.15), dbSNP rs1368134215, ClinGen allele CA352664932.